The following is an entry in ClinVar:

ClinVar aggregate classification (germline): Uncertain significance (1 of 4 stars; one submission).

Conditions:
PLXNA1-related disorder. Also called: PLXNA1-related condition.

gnomAD v4.1: 41 of 1,613,350 alleles (0.0025%); highest among the groups gnomAD compares: East Asian, 0.031%; no homozygotes.

Submission:

PreventionGenetics, part of Exact Sciences
Classification: Uncertain significance for PLXNA1-related condition. Last evaluated: 2026-06-23. Review status: criteria provided, single submitter. Criteria: ACMG Guidelines, 2015. Collection method: clinical testing. Allele origin: germline.
Comment: The PLXNA1 c.1906C>T variant is predicted to result in the amino acid substitution p.Arg636Trp. To our knowledge, this variant has not been reported in the literature. An alternate variant at the same amino acid position (p.Arg636Gln) has been reported in individuals affected with autism and/or developmental delay, with at least one case being de novo (Table S1, Kaplanis et al. 2020. PubMed ID: 33057194; Supplementary Data 3, Zhou et al. 2022. PubMed ID: 35982159). The c.1906C>T variant is reported in 0.016% of alleles in individuals of East Asian descent in gnomAD. At this time, the clinical significance of this variant is uncertain due to the absence of conclusive functional and genetic evidence.

NM_032242.4(PLXNA1):c.1906C>T (p.Arg636Trp)

Gene: PLXNA1 (plexin A1; plus strand). Cytogenetic location: 3q21.3.
Variant type: single nucleotide variant.
Coding change: c.1906C>T on transcript NM_032242.4 (MANE Select); coding-DNA position 1906, C replaced by T.
Protein change: p.Arg636Trp; replaces arginine 636 with tryptophan.
Molecular consequence: missense variant.
Genome position (GRCh38, 1-based): chr3:127,006,087, C>T. VCF-style: chr3-127006087-C-T. GRCh37 (hg19) VCF-style: chr3-126724930-C-T.
Other names: short protein forms R636W.
Identifiers: ClinVar variation 3350365 (VCV003350365.2).